The following is an entry in ClinVar:

ClinVar aggregate classification (germline): Pathogenic/Likely pathogenic. Review status: criteria provided, multiple submitters, no conflicts (2 of 4 stars). 20 submissions from 20 submitters: Pathogenic (14); Likely pathogenic (1). 5 of the submissions do not count toward it. Last evaluated 2026-06-01.

Conditions:
C8B-related disorder. Also called: C8B-related condition.
C8B-related disorders.
Primary ciliary dyskinesia. Also called: Ciliary dyskinesia. Identifiers: Orphanet 244, MedGen C0008780, MONDO:0016575, HP:0012265.
Type II complement component 8 deficiency. Also called: C8 BETA DEFICIENCY; C8B DEFICIENCY; COMPLEMENT COMPONENT 8B DEFICIENCY; COMPLEMENT C8 DEFICIENCY, TYPE II. Identifiers: MedGen C3151080, MONDO:0013421, OMIM 613789.
Complement component 6 deficiency (C6D). Also called: C6 DEFICIENCY. Identifiers: MedGen C2676232, MONDO:0012908, OMIM 612446.

Allele frequency attached by ClinVar (database versions not stated): 1000 Genomes Project 30x 0.00125; TOPMed 0.00127; ExAC 0.00109; gnomAD 0.00118; 1000 Genomes Project 0.00120.
gnomAD v4.1: 2,134 of 1,613,758 alleles (0.13%); highest among the groups gnomAD compares: Middle Eastern, 0.3%; 4 homozygotes.

Submissions (20):

PreventionGenetics, part of Exact Sciences
Classification: Pathogenic for C8B-related condition. Last evaluated: 2026-06-01. Review status: criteria provided, single submitter. Criteria: ACMG Guidelines, 2015. Collection method: clinical testing. Allele origin: germline.
Comment: The C8B c.1282C>T variant is predicted to result in premature protein termination (p.Arg428*). This variant has been reported in the homozygous and compound heterozygous state as causative for C8 deficiency (Kaufmann et al. 1993. PubMed ID: 8098723; Dellepiane et al. 2016. PubMed ID: 27183977). This variant is reported in 0.19% of alleles in individuals of European (Non-Finnish) descent in gnomAD. Nonsense variants in C8B are expected to be pathogenic, and this variant has been classified as pathogenic by multiple independent submitters to the ClinVar database (Variation ID: 17038). This variant is interpreted as pathogenic.

Dasa
Classification: Pathogenic. Last evaluated: 2026-04-21. Review status: criteria provided, single submitter. Criteria: DASA Assertion Criteria. Collection method: clinical testing. Allele origin: germline.
Comment: NM_000066.4(C8B):c.1282C>T (p.Arg428Ter) introduces a premature termination codon predicted to result in loss of normal protein function. Loss-of-function is an established mechanism of disease for this gene. This variant has been recurrently observed in individuals with related phenotype (PMID: 8098723; PMID: 27183977; PMID: 28192236). Segregation evidence has been reported in affected families. The variant is present at low frequency in population datasets. Based on the available data, this variant is classified as pathogenic.

Department of Human Genetics, Hannover Medical School
Classification: Likely pathogenic for Primary Ciliary Dyskinesia. Last evaluated: 2026-04-01. Review status: criteria provided, single submitter. Criteria: ACMG Guidelines, 2015. Collection method: research. Allele origin: germline. Affected: no.
Comment: Classification performed by HerediClassify using the following criteria:['PM2_supporting: Variant occures does not occur as homozygous in gnomAD.', 'PVS1_protein_very_strong: Transcript ENST00000371237 is predicted to undergo NMD.']

Labcorp Genetics (formerly Invitae), Labcorp
Classification: Pathogenic. Last evaluated: 2026-02-02. Review status: criteria provided, single submitter. Criteria: Invitae Variant Classification Sherloc (09022015). Collection method: clinical testing. Allele origin: germline.
Comment: This sequence change creates a premature translational stop signal (p.Arg428*) in the C8B gene. It is expected to result in an absent or disrupted protein product. Loss-of-function variants in C8B are known to be pathogenic (PMID: 7594510). This variant is present in population databases (rs41286844, gnomAD 0.2%), and has an allele count higher than expected for a pathogenic variant. This premature translational stop signal has been observed in individual(s) with C8B deficiency (PMID: 8098723, 27183977). It has also been observed to segregate with disease in related individuals. ClinVar contains an entry for this variant (Variation ID: 17038). For these reasons, this variant has been classified as Pathogenic.

CeGaT Center for Human Genetics Tuebingen
Classification: Pathogenic. Last evaluated: 2025-04-01. Review status: criteria provided, single submitter. Criteria: CeGaT Center For Human Genetics Tuebingen Variant Classification Criteria Version 2. Collection method: clinical testing. Allele origin: germline. Affected: yes. Observed: 3 variant alleles.
Comment: C8B: PVS1, PM3, PP1:Moderate, PM2:Supporting

Revvity Omics, Revvity
Classification: Pathogenic for Type II complement component 8 deficiency. Last evaluated: 2025-01-13. Review status: criteria provided, single submitter. Criteria: ACMG Guidelines, 2015. Collection method: clinical testing. Allele origin: germline.

Blueprint Genetics
Classification: Pathogenic for C8B-related disorders. Last evaluated: 2024-11-20. Review status: criteria provided, single submitter. Criteria: ACMG Guidelines, 2015. Collection method: clinical testing. Allele origin: germline. Affected: yes. Observed: 5 variant alleles.

Clinical Genomics Laboratory, Washington University in St. Louis
Classification: Pathogenic for Type II complement component 8 deficiency. Last evaluated: 2023-08-25. Review status: criteria provided, single submitter. Criteria: ACMG Guidelines, 2015. Collection method: clinical testing. Allele origin: germline. Affected: yes.
Comment: The C8B c.1282C>T (p.Arg428Ter) variant has been reported in more than 20 individuals who were homozygous for this variant and affected with C8 deficiency and is reported to segregate with disease in related individuals (Dellepiane RM et al., PMID: 27183977; Kaufmann T et al., PMID: 8098723; Kotnik V et al., PMID: 9476133; Sanges S et al., PMID: 28192236; Saucedo L et al., PMID: 7594510). This variant is predicted to result in nonsense mediated decay and loss of function is the known mechanism of disease (Saucedo L et al., PMID: 7594510). The highest population minor allele frequency in the population genome aggregation database (v.2.1.1) is 0.189%, which is higher than the incidence of C8 deficiency. This variant has been reported in the ClinVar database as a pathogenic variant in patients with type II complement component 8 deficiency by 13 submitters. Based on available information and the ACMG/AMP guidelines for variant interpretation (Richards S et al., PMID: 25741868), this variant is classified as pathogenic.

Department of Pathology and Laboratory Medicine, Sinai Health System
Classification: Pathogenic for Type II complement component 8 deficiency. Last evaluated: 2023-08-25. Review status: criteria provided, single submitter. Criteria: ACMG Guidelines, 2015. Collection method: research. Allele origin: germline.

Genomic Medicine Center of Excellence, King Faisal Specialist Hospital and Research Centre
Classification: Pathogenic for Type II complement component 8 deficiency. Last evaluated: 2023-05-08. Review status: criteria provided, single submitter. Criteria: ACMG Guidelines, 2015. Collection method: research. Allele origin: germline. Affected: yes.

GeneDx
Classification: Pathogenic. Last evaluated: 2022-07-15. Review status: criteria provided, single submitter. Criteria: GeneDx Variant Classification Process June 2021. Collection method: clinical testing. Allele origin: germline. Affected: yes.
Comment: Nonsense variant predicted to result in protein truncation or nonsense mediated decay in a gene for which loss-of-function is a known mechanism of disease; This variant is associated with the following publications: (PMID: 29431110, 30609409, 31028847, 9476133, 14767900, 28192236, 8098723, 27183977, 25525159, 7594510, 19434484, 8020197, 9165271, 34426522, 31589614, 28368462, 33726816)

Fulgent Genetics
Classification: Pathogenic for Type II complement component 8 deficiency. Last evaluated: 2021-07-29. Review status: criteria provided, single submitter. Criteria: ACMG Guidelines, 2015. Collection method: clinical testing. Allele origin: unknown.

Baylor Genetics
Classification: Pathogenic for Type II complement component 8 deficiency. Last evaluated: 2019-11-27. Review status: criteria provided, single submitter. Criteria: ACMG Guidelines, 2015. Collection method: clinical testing. Allele origin: unknown. Affected: yes.
Comment: This variant was determined to be pathogenic according to ACMG Guidelines, 2015 [PMID:25741868].

Eurofins Ntd Llc (ga)
Classification: Pathogenic. Last evaluated: 2018-08-08. Review status: criteria provided, single submitter. Criteria: EGL ClinVar v180209 classification definitions. Collection method: clinical testing. Allele origin: germline. Observed: 1 variant allele, 1 heterozygote.

Laboratory for Molecular Medicine, Mass General Brigham Personalized Medicine
Classification: Pathogenic for Complement component 6 deficiency. Last evaluated: 2014-04-24. Review status: criteria provided, single submitter. Criteria: LMM Criteria. Collection method: clinical testing. Allele origin: germline. Inheritance: Autosomal recessive inheritance. Observed: 2 variant alleles.
Comment: The p.Arg428X variant in C8B has been reported in multiple individuals with clin ical features of C8B deficiency, including in >20 individuals who were homozygou s for this variant (Kaufmann, 1993; Saucedo, 1995). Homozygous and compound hete rozygous individuals were shown to have absent C8? activity. This variant has be en identified in 0.17% (112/66,626) of European chromosomes by the Exome Aggrega tion Consortium (ExAC; dbSNP: rs41286844). This nonsense variant leads to a premature termination codon at position 428 which is predicted to lead to a truncated or absent protein. In summary, this variant me ets criteria to be classified as pathogenic based on case observations, function al evidence and predicted protein impact.

Bioscientia Institut fuer Medizinische Diagnostik GmbH, Sonic Healthcare
Classification: Pathogenic for Type II complement component 8 deficiency. Last evaluated: 2019-08-13. Review status: no assertion criteria provided. Collection method: clinical testing. Allele origin: germline. Affected: yes. Not counted in ClinVar's aggregate classification.

OMIM
Classification: Pathogenic for COMPLEMENT C8 DEFICIENCY, TYPE II. Last evaluated: 2009-09-01. Review status: no assertion criteria provided. Collection method: literature only. Allele origin: germline. Not counted in ClinVar's aggregate classification.

Clinical Genetics DNA and cytogenetics Diagnostics Lab, Erasmus MC, Erasmus Medical Center
Classification: Pathogenic. Review status: no assertion criteria provided. Collection method: clinical testing. Allele origin: germline. Affected: yes. Study: VKGL Data-share Consensus. Not counted in ClinVar's aggregate classification.

Diagnostic Laboratory, Department of Genetics, University Medical Center Groningen
Classification: Pathogenic. Review status: no assertion criteria provided. Collection method: clinical testing. Allele origin: germline. Affected: yes. Study: VKGL Data-share Consensus. Not counted in ClinVar's aggregate classification.

Joint Genome Diagnostic Labs from Nijmegen and Maastricht, Radboudumc and MUMC+
Classification: Pathogenic. Review status: no assertion criteria provided. Collection method: clinical testing. Allele origin: germline. Affected: yes. Study: VKGL Data-share Consensus. Not counted in ClinVar's aggregate classification.

Literature cited by the submitters: PubMed 8098723 (cited by 4 submitters); PubMed 27183977 (cited by Dasa and Labcorp Genetics (formerly Invitae), Labcorp); PubMed 28192236 (cited by Dasa); PubMed 7594510 (cited by Labcorp Genetics (formerly Invitae), Labcorp and Laboratory for Molecular Medicine, Mass General Brigham Personalized Medicine); PubMed 8365729 (cited by OMIM); PubMed 14767900 (cited by OMIM); PubMed 19434484 (cited by OMIM).

NM_000066.4(C8B):c.1282C>T (p.Arg428Ter)

Gene: C8B (complement C8 beta chain; minus strand). Cytogenetic location: 1p32.2.
Variant type: single nucleotide variant.
Coding change: c.1282C>T on transcript NM_000066.4 (MANE Select); coding-DNA position 1282, C replaced by T.
Protein change: p.Arg428Ter; replaces arginine 428 with a stop codon.
Molecular consequence: nonsense.
Genome position (GRCh38, 1-based): chr1:56,940,965, G>A on the plus strand (C>T on the coding strand, the complement: C8B is on the minus strand). VCF-style: chr1-56940965-G-A. GRCh37 (hg19) VCF-style: chr1-57406638-G-A.
Other names: C8B, ARG428TER; c.1126C>T, p.Arg376Ter (NM_001278543.2); c.1096C>T, p.Arg366Ter (NM_001278544.2); short protein forms R428*, R376*, R366*.
Identifiers: ClinVar variation 17038 (VCV000017038.68), dbSNP rs41286844, ClinGen allele CA210849.